The following is an entry in ClinVar:

ClinVar aggregate classification (germline): Uncertain significance (1 of 4 stars; one submission).

Conditions:
3-methylglutaconic aciduria, type VIIB (MGCA7B). Also called: CLPB Deficiency; 3-methylglutaconic aciduria with cataracts, neurologic involvement and neutropenia; 3-methylglutaconic aciduria, type VII, with cataracts, neurologic involvement and neutropenia. Identifiers: Orphanet 445038, MedGen C5676893, MONDO:0014561, OMIM 616271.

Allele frequency attached by ClinVar (database versions not stated): TOPMed below 0.00001; gnomAD 0.00001; gnomAD exomes 0.00003 and 0.00006; ExAC 0.00004.
gnomAD v4.1: 41 of 1,614,040 alleles (0.0025%); highest among the groups gnomAD compares: South Asian, 0.042%; 1 homozygote.

Submission:

Labcorp Genetics (formerly Invitae), Labcorp
Classification: Uncertain significance for 3-methylglutaconic aciduria, type VIIB. Last evaluated: 2024-03-13. Review status: criteria provided, single submitter. Criteria: Invitae Variant Classification Sherloc (09022015). Collection method: clinical testing. Allele origin: germline.
Comment: This sequence change replaces cysteine, which is neutral and slightly polar, with phenylalanine, which is neutral and non-polar, at codon 446 of the CLPB protein (p.Cys446Phe). This variant is present in population databases (rs559592563, gnomAD 0.05%), including at least one homozygous and/or hemizygous individual. This variant has not been reported in the literature in individuals affected with CLPB-related conditions. ClinVar contains an entry for this variant (Variation ID: 1380815). An algorithm developed to predict the effect of missense changes on protein structure and function (PolyPhen-2) suggests that this variant is likely to be disruptive. In summary, the available evidence is currently insufficient to determine the role of this variant in disease. Therefore, it has been classified as a Variant of Uncertain Significance.

NM_001258392.3(CLPB):c.1247G>T (p.Cys416Phe)

Genes: CLPB (ClpB family mitochondrial disaggregase; minus strand), LOC126861258 (MED14-independent group 3 enhancer GRCh37_chr11:72012242-72013441; plus strand). Cytogenetic location: 11q13.4.
Variant type: single nucleotide variant.
Coding change: c.1247G>T on transcript NM_001258392.3 (MANE Select); coding-DNA position 1247, G replaced by T.
Protein change: p.Cys416Phe; replaces cysteine 416 with phenylalanine.
Molecular consequence: missense variant.
Genome position (GRCh38, 1-based): chr11:72,301,885, C>A on the plus strand (G>T on the coding strand, the complement: CLPB is on the minus strand). VCF-style: chr11-72301885-C-A. GRCh37 (hg19) VCF-style: chr11-72012929-C-A.
Other names: c.1160G>T, p.Cys387Phe (NM_001258393.3); c.1202G>T, p.Cys401Phe (NM_001258394.3); c.1337G>T, p.Cys446Phe (NM_030813.6); short protein forms C401F, C446F, C387F, C416F.
Identifiers: ClinVar variation 1380815 (VCV001380815.8), dbSNP rs559592563, ClinGen allele CA6171228.
Genomic context (GRCh38, chr11:72,301,885, plus strand): 5'-ATGGTGAGCACATCTGGATGGGCCTTGTCTACTTCATCAAAGAGCACCACAGCATTGGGG[C>A]ACTGCTTCAACTTCTTGGTCAGCTGGCCACCCTCCTCATGGCCAACGTAGCCTGGTGGAG-3'
Protein context (NP_001245321.1, residues 406-426): GGQLTKKLKQ[Cys416Phe]PNAVVLFDEV